The following is an entry in ClinVar:

NM_001366145.2(TRPM3):c.3300C>T (p.Ile1100=)

Gene: TRPM3 (transient receptor potential cation channel subfamily M member 3; minus strand). Cytogenetic location: 9q21.12.
Variant type: single nucleotide variant.
Coding change: c.3300C>T on transcript NM_001366145.2 (MANE Select); coding-DNA position 3300, C replaced by T.
Protein change: p.Ile1100=; no amino-acid change (isoleucine 1100 retained).
Molecular consequence: synonymous variant.
Genome position (GRCh38, 1-based): chr9:70,553,234, G>A on the plus strand (C>T on the coding strand, the complement: TRPM3 is on the minus strand). VCF-style: chr9-70553234-G-A. GRCh37 (hg19) VCF-style: chr9-73168150-G-A.
Other names: c.3264C>T, p.Ile1088= (NM_001007471.4, NM_001366151.2); c.3270C>T, p.Ile1090= (NM_001366141.2, NM_001366143.2, NM_001366149.2); c.3306C>T, p.Ile1102= (NM_001366142.2); c.3300C>T, p.Ile1100= (NM_001366146.2); c.3375C>T, p.Ile1125= (NM_001366147.2, NM_001366152.2); c.3345C>T, p.Ile1115= (NM_001366148.2); c.3234C>T, p.Ile1078= (NM_001366150.2); c.2841C>T, p.Ile947= (NM_001366154.2, NM_024971.7); and 5 more.
Identifiers: ClinVar variation 4903275 (VCV004903275.2).

ClinVar aggregate classification (germline): Likely benign. Review status: criteria provided, multiple submitters, no conflicts (2 of 4 stars). 2 submissions from 2 submitters: Likely benign (2). Last evaluated 2026-09-01.

gnomAD v4.1: 259 of 1,614,098 alleles (0.016%); highest among the groups gnomAD compares: Middle Eastern, 0.13%; no homozygotes.

Submissions (2):

CeGaT Center for Human Genetics Tuebingen
Classification: Likely benign. Last evaluated: 2026-09-01. Review status: criteria provided, single submitter. Criteria: CeGaT Center For Human Genetics Tuebingen Variant Classification Criteria Version 2. Collection method: clinical testing. Allele origin: germline. Affected: yes. Observed: 1 variant allele.
Comment: TRPM3: BP4, BP7

Blueprint Genetics
Classification: Likely benign. Last evaluated: 2024-10-15. Review status: criteria provided, single submitter. Criteria: ACMG Guidelines, 2015. Collection method: clinical testing. Allele origin: germline.